The following is an entry in ClinVar:

NM_052845.4(MMAB):c.266del (p.Thr89fs)

Gene: MMAB (metabolism of cobalamin associated B; minus strand). Cytogenetic location: 12q24.11.
Variant type: Deletion.
Coding change: c.266del on transcript NM_052845.4 (MANE Select); coding-DNA position 266, one base deleted (C; older notation c.266delC).
Protein change: p.Thr89fs; shifts the reading frame from threonine 89.
Molecular consequence: frameshift variant. On other transcripts: non-coding transcript variant (1).
Genome position (GRCh38, 1-based): chr12:109,568,794, G deleted on the plus strand (C on the coding strand, the reverse complement: MMAB is on the minus strand). VCF-style (leftmost placement, unchanged base first): chr12-109568793-TG-T. GRCh37 (hg19) VCF-style: chr12-110006598-TG-T.
Other names: short protein forms T89fs.
Identifiers: ClinVar variation 2121959 (VCV002121959.4), dbSNP rs2548610961, ClinGen allele CA2580085873.

ClinVar aggregate classification (germline): Pathogenic (1 of 4 stars; one submission).

Conditions:
Methylmalonic aciduria, cblB type (MACB). Also called: METHYLMALONIC ACIDURIA, VITAMIN B12-RESPONSIVE, DUE TO DEFECT IN SYNTHESIS OF ADENOSYLCOBALAMIN, cblB TYPE; Vitamin B12-responsive methylmalonic acidemia type cblB; Methylmalonic acidemia cblB type. Identifiers: Orphanet 28, Orphanet 79311, MedGen C1855102, MONDO:0009614, OMIM 251110.

Submission:

Labcorp Genetics (formerly Invitae), Labcorp
Classification: Pathogenic for Methylmalonic aciduria, cblB type. Last evaluated: 2022-05-06. Review status: criteria provided, single submitter. Criteria: Invitae Variant Classification Sherloc (09022015). Collection method: clinical testing. Allele origin: germline.
Comment: This sequence change creates a premature translational stop signal (p.Thr89Lysfs*4) in the MMAB gene. It is expected to result in an absent or disrupted protein product. Loss-of-function variants in MMAB are known to be pathogenic (PMID: 15781192, 16410054). This variant is not present in population databases (gnomAD no frequency). This variant has not been reported in the literature in individuals affected with MMAB-related conditions. Algorithms developed to predict the effect of sequence changes on RNA splicing suggest that this variant may disrupt the consensus splice site. For these reasons, this variant has been classified as Pathogenic.

Literature cited by the submitters: PubMed 15781192; PubMed 16410054.